The following is an entry in ClinVar:

NM_003072.5(SMARCA4):c.2988C>T (p.Ile996=)

Gene: SMARCA4 (SWI/SNF related BAF chromatin remodeling complex subunit ATPase 4; plus strand). Cytogenetic location: 19p13.2.
Variant type: single nucleotide variant.
Coding change: c.2988C>T on transcript NM_003072.5 (MANE Select); coding-DNA position 2988, C replaced by T.
Protein change: p.Ile996=; no amino-acid change (isoleucine 996 retained).
Molecular consequence: synonymous variant. On other transcripts: non-coding transcript variant (1).
Genome position (GRCh38, 1-based): chr19:11,024,345, C>T. VCF-style: chr19-11024345-C-T. GRCh37 (hg19) VCF-style: chr19-11135021-C-T.
Other names: c.2988C>T, p.Ile996= (NM_001128844.3, NM_001128845.2, NM_001128846.2 and 4 more transcripts).
Identifiers: ClinVar variation 708504 (VCV000708504.13), dbSNP rs754791499, ClinGen allele CA9204294.

ClinVar aggregate classification (germline): Benign/Likely benign. Review status: criteria provided, multiple submitters, no conflicts (2 of 4 stars). 3 submissions from 3 submitters: Benign (1); Likely benign (2). Last evaluated 2026-07-14.

Conditions:
Rhabdoid tumor predisposition syndrome 2 (RTPS2). Identifiers: Orphanet 231108, Orphanet 69077, MedGen C2750074, MONDO:0013224, OMIM 613325.
Hereditary cancer-predisposing syndrome. Also called: Hereditary neoplastic syndrome; Neoplastic Syndromes, Hereditary; Tumor predisposition; Hereditary Cancer Syndrome. Identifiers: Orphanet 140162, MedGen C0027672, MeSH D009386, MONDO:0015356.

Allele frequency attached by ClinVar (database versions not stated): ExAC 0.00001; gnomAD exomes below 0.00001; gnomAD 0.00001.
gnomAD v4.1: 2 of 1,612,326 alleles (0.00012%); highest among the groups gnomAD compares: East Asian, 0.0022%; no homozygotes.

Submissions (3):

Myriad Genetics, Inc.
Classification: Benign for Rhabdoid tumor predisposition syndrome 2. Last evaluated: 2026-07-14. Review status: criteria provided, single submitter. Criteria: Myriad Autosomal Dominant, Autosomal Recessive and X-Linked Classification Criteria (2023). Collection method: clinical testing. Allele origin: unknown.
Comment: This variant is considered benign. This variant is a silent/synonymous amino acid change and it is not expected to impact splicing.

Labcorp Genetics (formerly Invitae), Labcorp
Classification: Likely benign for Rhabdoid tumor predisposition syndrome 2. Last evaluated: 2025-10-13. Review status: criteria provided, single submitter. Criteria: Invitae Variant Classification Sherloc (09022015). Collection method: clinical testing. Allele origin: germline.

Ambry Genetics
Classification: Likely benign for Hereditary cancer-predisposing syndrome. Last evaluated: 2023-01-03. Review status: criteria provided, single submitter. Criteria: Ambry Variant Classification Scheme 2023. Collection method: clinical testing. Allele origin: germline.